The following is an entry in ClinVar:

NM_173689.7(CRB2):c.3826_3828del (p.Leu1276del)

Gene: CRB2 (crumbs cell polarity complex component 2; plus strand). Cytogenetic location: 9q33.3.
Variant type: Deletion.
Coding change: c.3826_3828del on transcript NM_173689.7 (MANE Select); coding-DNA positions 3826 to 3828, 3 bases deleted (CTC; older notation c.3826_3828delCTC).
Protein change: p.Leu1276del; deletes leucine 1276.
Molecular consequence: inframe deletion. On other transcripts: non-coding transcript variant (1).
Genome position (GRCh38, 1-based): chr9:123,377,030-123,377,032, CTC deleted; deleting any 3 consecutive bases within chr9:123,377,028-123,377,032 gives the same sequence; the c. name uses the placement nearest the transcript's 3' end. VCF-style (leftmost placement, unchanged base first): chr9-123377027-GTCC-G. GRCh37 (hg19) VCF-style: chr9-126139306-GTCC-G.
Other names: short protein forms L1276del.
Identifiers: ClinVar variation 1989924 (VCV001989924.4), dbSNP rs760480460, ClinGen allele CA5232618.

ClinVar aggregate classification (germline): Uncertain significance (1 of 4 stars; one submission).

Submission:

Labcorp Genetics (formerly Invitae), Labcorp
Classification: Uncertain significance. Last evaluated: 2022-04-19. Review status: criteria provided, single submitter. Criteria: Invitae Variant Classification Sherloc (09022015). Collection method: clinical testing. Allele origin: germline.
Comment: Experimental studies and prediction algorithms are not available or were not evaluated, and the functional significance of this variant is currently unknown. This variant has not been reported in the literature in individuals affected with CRB2-related conditions. This variant is present in population databases (rs760480460, gnomAD 0.07%). This variant, c.3826_3828del, results in the deletion of 1 amino acid(s) of the CRB2 protein (p.Leu1276del), but otherwise preserves the integrity of the reading frame. In summary, the available evidence is currently insufficient to determine the role of this variant in disease. Therefore, it has been classified as a Variant of Uncertain Significance.